The following is an entry in ClinVar:

NM_000169.3(GLA):c.840A>T (p.Gln280His)

Genes: GLA (galactosidase alpha; minus strand), RPL36A-HNRNPH2 (RPL36A-HNRNPH2 readthrough; plus strand). Cytogenetic location: Xq22.1.
Variant type: single nucleotide variant.
Coding change: c.840A>T on transcript NM_000169.3 (MANE Select); coding-DNA position 840, A replaced by T.
Protein change: p.Gln280His; replaces glutamine 280 with histidine.
Molecular consequence: missense variant. On other transcripts: non-coding transcript variant (3), intron variant (2).
Genome position (GRCh38, 1-based): chrX:101,398,529, T>A on the plus strand (A>T on the coding strand, the complement: GLA is on the minus strand). VCF-style: chrX-101398529-T-A. GRCh37 (hg19) VCF-style: chrX-100653517-T-A.
Other names: c.963A>T, p.Gln321His (NM_001406747.1); c.840A>T, p.Gln280His (NM_001406748.1); c.300+3072T>A (NM_001199973.2); c.177+6707T>A (NM_001199974.2); short protein forms Q280H, Q321H.
Identifiers: ClinVar variation 4087542 (VCV004087542.2).
Genomic context (GRCh38, chrX:101,398,529, plus strand): 5'-GAGGTCATTAGACATGAATAAAGGAGCAGCCATGATAGCCCAGAGGGCCATCTGAGTTAC[T>A]TGCTGATTCCAGCTGAGGCCAAAGTTGCCAATCACTAACTGAGAAAAAGAATGAAATAAT-3'
Protein context (NP_000160.1, residues 270-290): IGNFGLSWNQ[Gln280His]VTQMALWAIM

ClinVar aggregate classification (germline): Uncertain significance (1 of 4 stars; one submission).

Conditions:
Fabry disease. Also called: ALPHA-GALACTOSIDASE A DEFICIENCY; ANDERSON-FABRY DISEASE; CERAMIDE TRIHEXOSIDASE DEFICIENCY; GLA DEFICIENCY; HEREDITARY DYSTOPIC LIPIDOSIS; Angiokeratoma corporis diffusum. Identifiers: Orphanet 324, MedGen C0002986, MONDO:0010526, OMIM 301500, HP:0001071. Disease mechanism: Fabry disease is due to inactivating mutations in the X-linked GLA gene resulting in deficiency of the enzyme Alpha Galactosidase-A., loss of function.

Submission:

Genomenon, Inc
Classification: Uncertain significance for Fabry disease. Last evaluated: 2026-09-08. Review status: criteria provided, single submitter. Criteria: Genomenon Sequence Variant Interpretation Standards - Updated. Collection method: curation. Allele origin: germline. Affected: yes.
Comment: GLA p.Gln280His (c.840A>T) is a missense variant that changes the amino acid at codon 280 from Glutamine to Histidine. This variant has been observed in at least one proband with clinical features consistent with Fabry disease (PMID:32442237). Functional or patient cell studies have been reported (PMID:27657681). It is absent or not present at a significant frequency in gnomAD. In silico models predict that this variant is possibly or probably damaging. In conclusion, we classify GLA p.Gln280His (c.840A>T) as a variant of uncertain significance.

Literature cited by the submitters: PubMed 32442237; PubMed 27657681.